The following is an entry in ClinVar:

NM_015512.5(DNAH1):c.5978C>T (p.Ala1993Val)

Gene: DNAH1 (dynein axonemal heavy chain 1; plus strand). Cytogenetic location: 3p21.1.
Variant type: single nucleotide variant.
Coding change: c.5978C>T on transcript NM_015512.5 (MANE Select); coding-DNA position 5978, C replaced by T.
Protein change: p.Ala1993Val; replaces alanine 1993 with valine.
Molecular consequence: missense variant.
Genome position (GRCh38, 1-based): chr3:52,369,859, C>T. VCF-style: chr3-52369859-C-T. GRCh37 (hg19) VCF-style: chr3-52403875-C-T.
Other names: short protein forms A1993V.
Identifiers: ClinVar variation 664089 (VCV000664089.5), dbSNP rs373242535, ClinGen allele CA2434386.

ClinVar aggregate classification (germline): Uncertain significance. Review status: criteria provided, multiple submitters, no conflicts (2 of 4 stars). 2 submissions from 2 submitters: Uncertain significance (2). Last evaluated 2024-07-31.

Conditions:
Spermatogenic failure 18. Identifiers: MedGen C4539783, MONDO:0054615, OMIM 617576.
Ciliary dyskinesia, primary, 37 (CILD37). Also called: CILIARY DYSKINESIA, PRIMARY, 37, WITH OR WITHOUT SITUS INVERSUS. Identifiers: MedGen C4539798, MONDO:0033204, OMIM 617577.

Allele frequency attached by ClinVar (database versions not stated): gnomAD exomes 0.00001 and 0.00002; ExAC 0.00004; TOPMed 0.00005; gnomAD 0.00006; ESP Exome Variant Server 0.00008.
gnomAD v4.1: 17 of 1,612,408 alleles (0.0011%); highest among the groups gnomAD compares: African/African-American, 0.0027%; no homozygotes.

Submissions (2):

Ambry Genetics
Classification: Uncertain significance. Last evaluated: 2024-07-31. Review status: criteria provided, single submitter. Criteria: Ambry Variant Classification Scheme 2023. Collection method: clinical testing. Allele origin: germline.

Labcorp Genetics (formerly Invitae), Labcorp
Classification: Uncertain significance for Ciliary dyskinesia, primary, 37; Spermatogenic failure 18. Last evaluated: 2022-06-26. Review status: criteria provided, single submitter. Criteria: Invitae Variant Classification Sherloc (09022015). Collection method: clinical testing. Allele origin: germline.
Comment: This sequence change replaces alanine, which is neutral and non-polar, with valine, which is neutral and non-polar, at codon 1993 of the DNAH1 protein (p.Ala1993Val). This variant is present in population databases (rs373242535, gnomAD 0.008%). In summary, the available evidence is currently insufficient to determine the role of this variant in disease. Therefore, it has been classified as a Variant of Uncertain Significance. Algorithms developed to predict the effect of missense changes on protein structure and function (SIFT, PolyPhen-2, Align-GVGD) all suggest that this variant is likely to be disruptive. ClinVar contains an entry for this variant (Variation ID: 664089). This variant has not been reported in the literature in individuals affected with DNAH1-related conditions.